The following is an entry in ClinVar:

NM_016592.5(GNAS):c.610C>G (p.Pro204Ala)

Genes: GNAS (GNAS complex locus; plus strand), GNAS-AS1 (GNAS antisense RNA 1; minus strand). Cytogenetic location: 20q13.32.
Variant type: single nucleotide variant.
Coding change: c.610C>G on transcript NM_016592.5 (MANE Plus Clinical); coding-DNA position 610, C replaced by G.
Protein change: p.Pro204Ala; replaces proline 204 with alanine.
Molecular consequence: missense variant. On other transcripts: 5 prime UTR variant (1).
Genome position (GRCh38, 1-based): chr20:58,840,716, C>G. VCF-style: chr20-58840716-C-G. GRCh37 (hg19) VCF-style: chr20-57415771-C-G.
Other names: c.-128C>G (NM_001410912.1); short protein forms P204A.
Identifiers: ClinVar variation 3346842 (VCV003346842.1).

ClinVar aggregate classification (germline): Uncertain significance (0 of 4 stars; one submission).

Conditions:
GNAS-related disorder. Identifiers: MedGen CN380105.

Submission:

PreventionGenetics, part of Exact Sciences
Classification: Uncertain significance for GNAS-related condition. Last evaluated: 2024-09-20. Review status: no assertion criteria provided. Collection method: clinical testing. Allele origin: germline.
Comment: The GNAS c.610C>G variant is predicted to result in the amino acid substitution p.Pro204Ala. To our knowledge, this variant has not been reported in the literature or in a large population database, indicating this variant is rare. At this time, the clinical significance of this variant is uncertain due to the absence of conclusive functional and genetic evidence.